The following is an entry in ClinVar:

ClinVar aggregate classification (germline): Conflicting classifications of pathogenicity. Review status: criteria provided, conflicting classifications (1 of 4 stars). 5 submissions from 5 submitters: Pathogenic (2); Likely pathogenic (1); Uncertain significance (1). 1 of the submissions does not count toward it. Last evaluated 2025-10-05.

Conditions:
Hypertrophic osteoarthropathy, primary, autosomal dominant. Also called: PHOAD; PACHYDERMOPERIOSTOSIS, AUTOSOMAL DOMINANT; PDP, AUTOSOMAL DOMINANT; PHO, AUTOSOMAL DOMINANT. Identifiers: Orphanet 2796, MedGen C2674695, MONDO:0008172, OMIM 167100.
Hypertrophic osteoarthropathy, primary, autosomal recessive, 2 (PHOAR2E). Also called: PHOAR2-enteropathy syndrome; PACHYDERMOPERIOSTOSIS, AUTOSOMAL RECESSIVE; PDP, AUTOSOMAL RECESSIVE; HYPERTROPHIC OSTEOARTHROPATHY, PRIMARY, AUTOSOMAL RECESSIVE, 2/ENTEROPATHY SYNDROME. Identifiers: Orphanet 2796, MedGen C3280800, MONDO:0013756, OMIM 614441.

Allele frequency attached by ClinVar (database versions not stated): TOPMed 0.00006; gnomAD 0.00008; gnomAD exomes 0.00021 and 0.00008; ExAC 0.00022.
gnomAD v4.1: 124 of 1,610,122 alleles (0.0077%); highest among the groups gnomAD compares: East Asian, 0.065%; no homozygotes.

Submissions (5):

Labcorp Genetics (formerly Invitae), Labcorp
Classification: Pathogenic. Last evaluated: 2025-10-05. Review status: criteria provided, single submitter. Criteria: Invitae Variant Classification Sherloc (09022015). Collection method: clinical testing. Allele origin: germline.
Comment: This sequence change replaces arginine, which is basic and polar, with cysteine, which is neutral and slightly polar, at codon 542 of the SLCO2A1 protein (p.Arg542Cys). This variant is present in population databases (rs566240756, gnomAD 0.1%). This missense change has been observed in individuals with hypertrophic osteoarthropathy (PMID: 28425581, 28963081, 37334733). ClinVar contains an entry for this variant (Variation ID: 1470160). Invitae Evidence Modeling of protein sequence and biophysical properties (such as structural, functional, and spatial information, amino acid conservation, physicochemical variation, residue mobility, and thermodynamic stability) indicates that this missense variant is expected to disrupt SLCO2A1 protein function with a positive predictive value of 95%. For these reasons, this variant has been classified as Pathogenic.

Genesolutions, Medical Genetics Institutes, Ho Chi Minh City, Vietnam
Classification: Likely pathogenic for Hypertrophic osteoarthropathy, primary, autosomal dominant. Last evaluated: 2025-09-24. Review status: criteria provided, single submitter. Criteria: ACMG Guidelines, 2015. Collection method: clinical testing. Allele origin: germline. Affected: yes.

Genomic Medicine Center of Excellence, King Faisal Specialist Hospital and Research Centre
Classification: Uncertain significance for Hypertrophic osteoarthropathy, primary, autosomal recessive, 2. Last evaluated: 2024-12-19. Review status: criteria provided, single submitter. Criteria: ACMG Guidelines, 2015. Collection method: clinical testing. Allele origin: germline.

Juno Genomics, Hangzhou Juno Genomics, Inc
Classification: Pathogenic for Hypertrophic osteoarthropathy, primary, autosomal recessive, 2. Review status: criteria provided, single submitter. Criteria: ACMG Guidelines, 2015. Collection method: clinical testing. Allele origin: germline. Affected: yes.
Comment: Absent from controls (or at extremely low frequency if recessive) in Genome Aggregation Database, Exome Sequencing Project, 1000 Genomes Project, or Exome Aggregation Consortium.;Multiple lines of computational evidence support a deleterious effect on the gene or gene product (conservation, evolutionary, splicing impact, etc).;For recessive disorders, detected in trans with a pathogenic variant.

OMIM
Classification: Pathogenic for PHOAR2-ENTEROPATHY SYNDROME. Last evaluated: 2024-02-13. Review status: no assertion criteria provided. Collection method: literature only. Allele origin: germline. Not counted in ClinVar's aggregate classification.

Literature cited by the submitters: PubMed 28425581 (cited by Labcorp Genetics (formerly Invitae), Labcorp and OMIM); PubMed 28963081 (cited by Labcorp Genetics (formerly Invitae), Labcorp); PubMed 37334733 (cited by Labcorp Genetics (formerly Invitae), Labcorp).

NM_005630.3(SLCO2A1):c.1624C>T (p.Arg542Cys)

Gene: SLCO2A1 (solute carrier organic anion transporter family member 2A1; minus strand). Cytogenetic location: 3q22.1.
Variant type: single nucleotide variant.
Coding change: c.1624C>T on transcript NM_005630.3 (MANE Select); coding-DNA position 1624, C replaced by T.
Protein change: p.Arg542Cys; replaces arginine 542 with cysteine.
Molecular consequence: missense variant.
Genome position (GRCh38, 1-based): chr3:133,942,606, G>A on the plus strand (C>T on the coding strand, the complement: SLCO2A1 is on the minus strand). VCF-style: chr3-133942606-G-A. GRCh37 (hg19) VCF-style: chr3-133661450-G-A.
Other names: short protein forms R542C.
Identifiers: ClinVar variation 1470160 (VCV001470160.13), dbSNP rs566240756, ClinGen allele CA2626403.